The following is an entry in ClinVar:

ClinVar aggregate classification (germline): Uncertain significance. Review status: criteria provided, multiple submitters, no conflicts (2 of 4 stars). 2 submissions from 2 submitters: Uncertain significance (2). Last evaluated 2024-11-26.

Conditions:
Inborn genetic diseases. Identifiers: MedGen C0950123, MeSH D030342.

Submissions (2):

Ambry Genetics
Classification: Uncertain significance for Inborn genetic diseases. Last evaluated: 2024-11-26. Review status: criteria provided, single submitter. Criteria: Ambry Variant Classification Scheme 2023. Collection method: clinical testing. Allele origin: germline.
Comment: The p.L496I variant (also known as c.1486C>A), located in coding exon 6 of the MBD4 gene, results from a C to A substitution at nucleotide position 1486. The leucine at codon 496 is replaced by isoleucine, an amino acid with highly similar properties. This amino acid position is conserved. In addition, this alteration is predicted to be tolerated by in silico analysis. Based on the available evidence, the clinical significance of this variant remains unclear.

Labcorp Genetics (formerly Invitae), Labcorp
Classification: Uncertain significance. Last evaluated: 2024-02-15. Review status: criteria provided, single submitter. Criteria: Invitae Variant Classification Sherloc (09022015). Collection method: clinical testing. Allele origin: germline.
Comment: This sequence change replaces leucine, which is neutral and non-polar, with isoleucine, which is neutral and non-polar, at codon 502 of the MBD4 protein (p.Leu502Ile). This variant is present in population databases (no rsID available, gnomAD 0.0009%). This variant has not been reported in the literature in individuals affected with MBD4-related conditions. An algorithm developed to predict the effect of missense changes on protein structure and function (PolyPhen-2) suggests that this variant is likely to be disruptive. In summary, the available evidence is currently insufficient to determine the role of this variant in disease. Therefore, it has been classified as a Variant of Uncertain Significance.

NM_001276270.2(MBD4):c.1486C>A (p.Leu496Ile)

Gene: MBD4 (methyl-CpG binding domain 4, DNA glycosylase; minus strand). Cytogenetic location: 3q21.3.
Variant type: single nucleotide variant.
Coding change: c.1486C>A on transcript NM_001276270.2 (MANE Select); coding-DNA position 1486, C replaced by A.
Protein change: p.Leu496Ile; replaces leucine 496 with isoleucine.
Molecular consequence: missense variant.
Genome position (GRCh38, 1-based): chr3:129,433,155, G>T on the plus strand (C>A on the coding strand, the complement: MBD4 is on the minus strand). VCF-style: chr3-129433155-G-T. GRCh37 (hg19) VCF-style: chr3-129151998-G-T.
Other names: c.1504C>A, p.Leu502Ile (NM_001276271.2, NM_001276272.2, NM_003925.3); c.550C>A, p.Leu184Ile (NM_001276273.2); short protein forms L496I, L502I, L184I.
Identifiers: ClinVar variation 3543778 (VCV003543778.3).